The following is an entry in ClinVar:

NM_024312.5(GNPTAB):c.1422G>A (p.Gly474=)

Gene: GNPTAB (N-acetylglucosamine-1-phosphate transferase subunits alpha and beta; minus strand). Cytogenetic location: 12q23.2.
Variant type: single nucleotide variant.
Coding change: c.1422G>A on transcript NM_024312.5 (MANE Select); coding-DNA position 1422, G replaced by A.
Protein change: p.Gly474=; no amino-acid change (glycine 474 retained).
Molecular consequence: synonymous variant.
Genome position (GRCh38, 1-based): chr12:101,766,281, C>T on the plus strand (G>A on the coding strand, the complement: GNPTAB is on the minus strand). VCF-style: chr12-101766281-C-T. GRCh37 (hg19) VCF-style: chr12-102160059-C-T.
Identifiers: ClinVar variation 558796 (VCV000558796.55), dbSNP rs775742250, ClinGen allele CA6746611.

ClinVar aggregate classification (germline): Conflicting classifications of pathogenicity. Review status: criteria provided, conflicting classifications (1 of 4 stars). 4 submissions from 4 submitters: Uncertain significance (1); Likely benign (1). 2 of the submissions do not count toward it. Last evaluated 2024-01-02.

Conditions:
Mucolipidosis type II. Also called: Mucolipidosis II Alpha/Beta; ML II ALPHA/BETA; Mucolipidosis 2; ML 2; Inclusion cell disease; Leroy Disease. Identifiers: Orphanet 576, MedGen C2673377, MONDO:0009650, OMIM 252500.
Pseudo-Hurler polydystrophy. Also called: Type III Mucolipidosis; ML III; ML III ALPHA/BETA; ML IIIA; Mucolipidosis III Alpha/Beta; MUCOLIPIDOSIS IIIA. Identifiers: Orphanet 423461, Orphanet 577, MedGen C0033788, MONDO:0018931, OMIM 252600.
GNPTAB-Related Disorders. Also called: GNPTAB-related disorder; GNPTAB-related condition. Identifiers: MedGen CN381523.

Allele frequency attached by ClinVar (database versions not stated): gnomAD 0.00001; TOPMed 0.00001; ExAC 0.00002.

Submissions (4):

Labcorp Genetics (formerly Invitae), Labcorp
Classification: Likely benign for Pseudo-Hurler polydystrophy; Mucolipidosis type II. Last evaluated: 2024-01-02. Review status: criteria provided, single submitter. Criteria: Invitae Variant Classification Sherloc (09022015). Collection method: clinical testing. Allele origin: germline.

CeGaT Center for Human Genetics Tuebingen
Classification: Uncertain significance. Last evaluated: 2019-02-01. Review status: criteria provided, single submitter. Criteria: CeGaT Center For Human Genetics Tuebingen Variant Classification Criteria Version 2. Collection method: clinical testing. Allele origin: germline. Affected: yes. Observed: 1 variant allele.

PreventionGenetics, part of Exact Sciences
Classification: Likely benign for GNPTAB-related condition. Last evaluated: 2019-02-27. Review status: no assertion criteria provided. Collection method: clinical testing. Allele origin: germline. Not counted in ClinVar's aggregate classification.
Comment: This variant is classified as likely benign based on ACMG/AMP sequence variant interpretation guidelines (Richards et al. 2015 PMID: 25741868, with internal and published modifications).

Mayo Clinic Laboratories, Mayo Clinic
Classification: Likely benign. Last evaluated: 2017-05-01. Review status: no assertion criteria provided. Collection method: clinical testing. Allele origin: unknown. Not counted in ClinVar's aggregate classification.